The following is an entry in ClinVar:

NM_001111125.3(IQSEC2):c.2460-2A>G

Gene: IQSEC2 (IQ motif and Sec7 domain ArfGEF 2; minus strand). Cytogenetic location: Xp11.22.
Variant type: single nucleotide variant.
Coding change: c.2460-2A>G on transcript NM_001111125.3 (MANE Select); the canonical splice acceptor site of the intron before coding-DNA position 2460, A replaced by G.
Molecular consequence: splice acceptor variant.
Genome position (GRCh38, 1-based): chrX:53,248,238, T>C on the plus strand (A>G on the coding strand, the complement: IQSEC2 is on the minus strand). VCF-style: chrX-53248238-T-C. GRCh37 (hg19) VCF-style: chrX-53277420-T-C.
Other names: c.2460-2A>G (NM_001410736.1); c.1845-2A>G (NM_015075.2).
Identifiers: ClinVar variation 651293 (VCV000651293.7), dbSNP rs1602279457, ClinGen allele CA413157533.
Genomic context (GRCh38, chrX:53,248,238, plus strand): 5'-ACTTCCGGAGCGCATCATCCAGATCCATGGAGGAGAAGTCCATCTCATCCACCACACAGC[T>C]AAGGAGCAAAGAAGGAGGTGTGGCGCTTTCAATTCCTCTGCAGAAAACCTCTGACCCACC-3'

ClinVar aggregate classification (germline): Likely pathogenic (1 of 4 stars; one submission).

Conditions:
Intellectual developmental disorder, X-linked 1. Also called: MENTAL RETARDATION, X-LINKED 18; MENTAL RETARDATION, X-LINKED 78; Atkin Flaitz Patil Smith syndrome; Intellectual disability, X-linked 1. Identifiers: Orphanet 777, MedGen C2931498, MONDO:0010656, OMIM 309530.

Submission:

Labcorp Genetics (formerly Invitae), Labcorp
Classification: Likely pathogenic for Intellectual developmental disorder, X-linked 1. Last evaluated: 2022-07-26. Review status: criteria provided, single submitter. Criteria: Invitae Variant Classification Sherloc (09022015). Collection method: clinical testing. Allele origin: germline.
Comment: This sequence change affects an acceptor splice site in intron 6 of the IQSEC2 gene. It is expected to disrupt RNA splicing. Variants that disrupt the donor or acceptor splice site typically lead to a loss of protein function (PMID: 16199547), and loss-of-function variants in IQSEC2 are known to be pathogenic (PMID: 21686261, 26793055, 27665735). In summary, the currently available evidence indicates that the variant is pathogenic, but additional data are needed to prove that conclusively. Therefore, this variant has been classified as Likely Pathogenic. Algorithms developed to predict the effect of sequence changes on RNA splicing suggest that this variant may disrupt the consensus splice site. ClinVar contains an entry for this variant (Variation ID: 651293). This variant has not been reported in the literature in individuals affected with IQSEC2-related conditions. This variant is not present in population databases (gnomAD no frequency).

Literature cited by the submitters: PubMed 16199547; PubMed 21686261; PubMed 26793055; PubMed 27665735.